The following is an entry in ClinVar:

NM_006892.4(DNMT3B):c.1834G>T (p.Ala612Ser)

Gene: DNMT3B (DNA methyltransferase 3 beta; plus strand). Cytogenetic location: 20q11.21.
Variant type: single nucleotide variant.
Coding change: c.1834G>T on transcript NM_006892.4 (MANE Select); coding-DNA position 1834, G replaced by T.
Protein change: p.Ala612Ser; replaces alanine 612 with serine.
Molecular consequence: missense variant.
Genome position (GRCh38, 1-based): chr20:32,800,227, G>T. VCF-style: chr20-32800227-G-T. GRCh37 (hg19) VCF-style: chr20-31388033-G-T.
Other names: c.1648G>T, p.Ala550Ser (NM_001207055.2); c.1546G>T, p.Ala516Ser (NM_001207056.2); c.1774G>T, p.Ala592Ser (NM_175848.2, NM_175849.2); c.1810G>T, p.Ala604Ser (NM_175850.3); short protein forms A612S, A550S, A604S, A592S, A516S.
Identifiers: ClinVar variation 461481 (VCV000461481.7), dbSNP rs762537914, ClinGen allele CA408588421.

ClinVar aggregate classification (germline): Uncertain significance (1 of 4 stars; one submission).

Conditions:
Centromeric instability of chromosomes 1,9 and 16 and immunodeficiency (ICF1). Also called: IMMUNE DEFICIENCY, VARIABLE, WITH CENTROMERIC INSTABILITY OF CHROMOSOMES 1, 9, AND 16; IMMUNODEFICIENCY SYNDROME, VARIABLE; Immunodeficiency-centromeric instability-facial anomalies; CENTROMERIC INSTABILITY, IMMUNODEFICIENCY SYNDROME. Identifiers: Orphanet 2268, MedGen C0398788, MONDO:0000133.

Allele frequency attached by ClinVar (database versions not stated): TOPMed below 0.00001; gnomAD 0.00001.
gnomAD v4.1: 28 of 1,614,094 alleles (0.0017%); highest among the groups gnomAD compares: Non-Finnish European, 0.0024%; no homozygotes.

Submission:

Labcorp Genetics (formerly Invitae), Labcorp
Classification: Uncertain significance for Centromeric instability of chromosomes 1,9 and 16 and immunodeficiency. Last evaluated: 2021-09-01. Review status: criteria provided, single submitter. Criteria: Invitae Variant Classification Sherloc (09022015). Collection method: clinical testing. Allele origin: germline.
Comment: This sequence change replaces alanine with serine at codon 612 of the DNMT3B protein (p.Ala612Ser). The alanine residue is highly conserved and there is a moderate physicochemical difference between alanine and serine. This variant is not present in population databases (ExAC no frequency). This variant has not been reported in the literature in individuals affected with DNMT3B-related conditions. Algorithms developed to predict the effect of missense changes on protein structure and function (SIFT, PolyPhen-2, Align-GVGD) all suggest that this variant is likely to be disruptive. In summary, the available evidence is currently insufficient to determine the role of this variant in disease. Therefore, it has been classified as a Variant of Uncertain Significance.